The following is an entry in ClinVar:

NM_014915.3(ANKRD26):c.-137G>A

Gene: ANKRD26 (ankyrin repeat domain 26; minus strand). Cytogenetic location: 10p12.1.
Variant type: single nucleotide variant.
Coding change: c.-137G>A on transcript NM_014915.3 (MANE Select); 137 bases upstream of the start codon, G replaced by A.
Molecular consequence: 5 prime UTR variant.
Genome position (GRCh38, 1-based): chr10:27,100,463, C>T on the plus strand (G>A on the coding strand, the complement: ANKRD26 is on the minus strand). VCF-style: chr10-27100463-C-T. GRCh37 (hg19) VCF-style: chr10-27389392-C-T.
Other names: c.-137G>A (NM_001256053.2).
Identifiers: ClinVar variation 1910146 (VCV001910146.5), dbSNP rs532285641, ClinGen allele CA204453884.
Genomic context (GRCh38, chr10:27,100,463, plus strand): 5'-GTCAGCCCCGGCTGGCCGCAGCCTCCCAAAGGAAACTCCGCGGTTTCCAATCTCTCCCTC[C>T]GGGTTACCAAGCAAGCGATCCCGCTAGACACAAGTGCGCATGCGCACCTCAGATGGCAAG-3'

ClinVar aggregate classification (germline): Uncertain significance. Review status: criteria provided, multiple submitters, no conflicts (2 of 4 stars). 2 submissions from 2 submitters: Uncertain significance (2). Last evaluated 2024-08-07.

Allele frequency attached by ClinVar (database versions not stated): gnomAD exomes 0.00001.
gnomAD v4.1: 16 of 1,323,982 alleles (0.0012%); highest among the groups gnomAD compares: African/African-American, 0.0015%; no homozygotes.

Submissions (2):

GeneDx
Classification: Uncertain significance. Last evaluated: 2024-08-07. Review status: criteria provided, single submitter. Criteria: GeneDx Variant Classification Process June 2021. Collection method: clinical testing. Allele origin: germline. Affected: yes.
Comment: Not observed at significant frequency in large population cohorts (gnomAD); Has not been previously published as pathogenic or benign to our knowledge

Labcorp Genetics (formerly Invitae), Labcorp
Classification: Uncertain significance. Last evaluated: 2022-07-17. Review status: criteria provided, single submitter. Criteria: Invitae Variant Classification Sherloc (09022015). Collection method: clinical testing. Allele origin: germline.
Comment: This variant occurs in a non-coding region of the ANKRD26 gene. It does not change the encoded amino acid sequence of the ANKRD26 protein. This variant is present in population databases (no rsID available, gnomAD 0.01%). This variant has not been reported in the literature in individuals affected with ANKRD26-related conditions. In summary, the available evidence is currently insufficient to determine the role of this variant in disease. Therefore, it has been classified as a Variant of Uncertain Significance.